The following is an entry in ClinVar:

ClinVar aggregate classification (germline): Uncertain significance (1 of 4 stars; one submission).

Conditions:
Epidermodysplasia verruciformis. Identifiers: Orphanet 302, MedGen C0014522, MONDO:0009176.

Allele frequency attached by ClinVar (database versions not stated): gnomAD exomes 0.00001.
gnomAD v4.1: 17 of 1,596,878 alleles (0.0011%); highest among the groups gnomAD compares: Non-Finnish European, 0.0013%; no homozygotes.

Submission:

Labcorp Genetics (formerly Invitae), Labcorp
Classification: Uncertain significance for Epidermodysplasia verruciformis. Last evaluated: 2019-12-19. Review status: criteria provided, single submitter. Criteria: Invitae Variant Classification Sherloc (09022015). Collection method: clinical testing. Allele origin: germline.
Comment: In summary, the available evidence is currently insufficient to determine the role of this variant in disease. Therefore, it has been classified as a Variant of Uncertain Significance. Algorithms developed to predict the effect of missense changes on protein structure and function are either unavailable or do not agree on the potential impact of this missense change (SIFT: "Not Available"; PolyPhen-2: "Possibly Damaging"; Align-GVGD: "Not Available"). This variant has not been reported in the literature in individuals with TMC6-related conditions. This variant is not present in population databases (ExAC no frequency). This sequence change replaces leucine with isoleucine at codon 205 of the TMC6 protein (p.Leu205Ile). The leucine residue is weakly conserved and there is a small physicochemical difference between leucine and isoleucine.

NM_001127198.5(TMC6):c.613C>A (p.Leu205Ile)

Genes: TMC6 (transmembrane channel like 6; minus strand), LOC130061786 (ATAC-STARR-seq lymphoblastoid silent region 9039; plus strand). Cytogenetic location: 17q25.3.
Variant type: single nucleotide variant.
Coding change: c.613C>A on transcript NM_001127198.5 (MANE Select); coding-DNA position 613, C replaced by A.
Protein change: p.Leu205Ile; replaces leucine 205 with isoleucine.
Molecular consequence: missense variant.
Genome position (GRCh38, 1-based): chr17:78,124,909, G>T on the plus strand (C>A on the coding strand, the complement: TMC6 is on the minus strand). VCF-style: chr17-78124909-G-T. GRCh37 (hg19) VCF-style: chr17-76120990-G-T.
Other names: c.613C>A, p.Leu205Ile (NM_001321185.1, NM_001374593.1, NM_001374594.1 and 4 more transcripts); short protein forms L205I.
Identifiers: ClinVar variation 852210 (VCV000852210.6), dbSNP rs1567999996, ClinGen allele CA401233486.
Genomic context (GRCh38, chr17:78,124,909, plus strand): 5'-CCCAGCCGCCCCAGCCCCAGGGCAGACCAGGGGCCCATACCAGCACGCAGGCATATCTGA[G>T]CCGGCCACAGCAGGAGCAGACCCCGCCGCTGCCCGGCTGGCCCCTCCACTTCCCCCTCGG-3'
Protein context (NP_001120670.1, residues 195-215): SGGVCSCCGR[Leu205Ile]RYACVLALHS